The following is an entry in ClinVar:

NM_000548.5(TSC2):c.2787G>A (p.Glu929=)

Gene: TSC2 (TSC complex subunit 2; plus strand). Cytogenetic location: 16p13.3.
Variant type: single nucleotide variant.
Coding change: c.2787G>A on transcript NM_000548.5 (MANE Select); coding-DNA position 2787, G replaced by A.
Protein change: p.Glu929=; no amino-acid change (glutamic acid 929 retained).
Molecular consequence: synonymous variant.
Genome position (GRCh38, 1-based): chr16:2,076,535, G>A. VCF-style: chr16-2076535-G-A. GRCh37 (hg19) VCF-style: chr16-2126536-G-A.
Other names: c.2787G>A, p.Glu929= (NM_001077183.3, NM_001114382.3, NM_001363528.2 and 3 more transcripts); c.2676G>A, p.Glu892= (NM_001318827.2); c.2640G>A, p.Glu880= (NM_001318829.2); c.2187G>A, p.Glu729= (NM_001318831.2); c.2820G>A, p.Glu940= (NM_001318832.2).
Identifiers: ClinVar variation 1637445 (VCV001637445.13), dbSNP rs968144525, ClinGen allele CA492954453.

ClinVar aggregate classification (germline): Benign/Likely benign. Review status: criteria provided, multiple submitters, no conflicts (2 of 4 stars). 5 submissions from 5 submitters: Benign (1); Likely benign (4). Last evaluated 2025-05-22.

Conditions:
Hereditary cancer-predisposing syndrome. Also called: Tumor predisposition; Hereditary neoplastic syndrome; Neoplastic Syndromes, Hereditary; Hereditary Cancer Syndrome. Identifiers: Orphanet 140162, MedGen C0027672, MeSH D009386, MONDO:0015356.
Tuberous sclerosis syndrome (TSC). Also called: Tuberous Sclerosis Complex; Tuberous sclerosis. Identifiers: Orphanet 805, MedGen C0041341, MONDO:0001734.
Tuberous sclerosis 2 (TSC2). Identifiers: Orphanet 805, MedGen C1860707, MONDO:0013199, OMIM 613254.

Submissions (5):

Myriad Genetics, Inc.
Classification: Benign for Tuberous sclerosis 2. Last evaluated: 2025-05-22. Review status: criteria provided, single submitter. Criteria: Myriad Autosomal Dominant, Autosomal Recessive and X-Linked Classification Criteria (2023). Collection method: clinical testing. Allele origin: unknown.
Comment: This variant is considered benign. This variant is a silent/synonymous amino acid change and it is not expected to impact splicing.

Labcorp Genetics (formerly Invitae), Labcorp
Classification: Likely benign for Tuberous sclerosis 2. Last evaluated: 2024-04-29. Review status: criteria provided, single submitter. Criteria: Invitae Variant Classification Sherloc (09022015). Collection method: clinical testing. Allele origin: germline.

All of Us Research Program, National Institutes of Health
Classification: Likely benign for Tuberous sclerosis syndrome. Last evaluated: 2023-08-15. Review status: criteria provided, single submitter. Criteria: ACMG Guidelines, 2015. Collection method: clinical testing. Allele origin: germline. Inheritance: Autosomal dominant inheritance. Observed: 1 variant allele, 1 heterozygote.
Comment: This study involves interpretation of variants in research participants for the purpose of population health screening. Participant phenotype was not available at the time of variant classification. Additional details can be found in publication PMID: 35346344, PMCID: PMC8962531

Color Diagnostics, LLC DBA Color Health
Classification: Likely benign for Tuberous sclerosis syndrome. Last evaluated: 2022-09-28. Review status: criteria provided, single submitter. Criteria: ACMG Guidelines, 2015. Collection method: clinical testing. Allele origin: germline.

Ambry Genetics
Classification: Likely benign for Hereditary cancer-predisposing syndrome. Last evaluated: 2020-07-02. Review status: criteria provided, single submitter. Criteria: Ambry Variant Classification Scheme 2023. Collection method: clinical testing. Allele origin: germline.